The following is an entry in ClinVar:

NM_006258.4(PRKG1):c.2054_*2dup (p.Asp685_Ter687=)

Gene: PRKG1 (protein kinase cGMP-dependent 1; plus strand). Cytogenetic location: 10q21.1.
Variant type: Duplication.
Coding change: c.2054_*2dup on transcript NM_006258.4 (MANE Select); coding-DNA position 2054 through 2 bases downstream of the stop codon, 10 bases duplicated (ACTTCTAATG; older notation c.2054_*2dupACTTCTAATG).
Protein change: p.Asp685_Ter687=.
Molecular consequence: no sequence alteration.
Genome position (GRCh38, 1-based): chr10:52,293,893-52,293,902, ACTTCTAATG duplicated; duplicating any 10 consecutive bases within chr10:52,293,892-52,293,902 gives the same sequence; the c. name uses the placement nearest the transcript's 3' end. VCF-style (leftmost placement, unchanged base first): chr10-52293891-A-AGACTTCTAAT. GRCh37 (hg19) VCF-style: chr10-54053651-A-AGACTTCTAAT.
Other names: c.2009_*2dup, p.Asp670_Ter672= (NM_001098512.3); c.845_*2dup, p.Asp282_Ter284= (NM_001374781.1).
Identifiers: ClinVar variation 1058892 (VCV001058892.7), dbSNP rs1842327431, ClinGen allele CA1910058819.
Genomic context (GRCh38, chr10:52,293,891, plus strand): 5'-TGACAGTTTCCCTGAGGACAACGATGAACCACCACCTGATGACAACTCAGGATGGGATAT[A>AGACTTCTAAT]GACTTCTAATGTATTTCTCTTACCTGCTTCTGCCTTGCTGAAGACAGCTTTTTCTGAGAC-3'

ClinVar aggregate classification (germline): Uncertain significance (1 of 4 stars; one submission).

Conditions:
Aortic aneurysm, familial thoracic 8 (AAT8). Identifiers: MedGen C3809513, MONDO:0014187, OMIM 615436.

Submission:

Labcorp Genetics (formerly Invitae), Labcorp
Classification: Uncertain significance for Aortic aneurysm, familial thoracic 8. Last evaluated: 2020-09-03. Review status: criteria provided, single submitter. Criteria: Invitae Variant Classification Sherloc (09022015). Collection method: clinical testing. Allele origin: germline.
Comment: This variant occurs in a non-coding region of the PRKG1 gene. It does not change the encoded amino acid sequence of the PRKG1 protein. In summary, the available evidence is currently insufficient to determine the role of this variant in disease. Therefore, it has been classified as a Variant of Uncertain Significance. Experimental studies and prediction algorithms are not available or were not evaluated, and the functional significance of this variant is currently unknown. This variant has not been reported in the literature in individuals with PRKG1-related conditions. This variant is not present in population databases (ExAC no frequency).